The following is an entry in ClinVar:

ClinVar aggregate classification (germline): Benign (1 of 4 stars; one submission).

Conditions:
Holt-Oram syndrome (HOS). Also called: Ventriculo-radial syndrome; Cardiac-limb syndrome; Heart-hand syndrome, type 1; TBX5-Related Holt-Oram Syndrome. Identifiers: Orphanet 392, MedGen C0265264, MONDO:0007732, OMIM 142900.

Allele frequency attached by ClinVar (database versions not stated): gnomAD 0.00051; 1000 Genomes Project 30x 0.00187; TOPMed 0.00033; 1000 Genomes Project 0.00200.
gnomAD v4.1: 42 of 152,332 alleles (0.028%); highest among the groups gnomAD compares: East Asian, 0.81%; no homozygotes.

Submission:

Illumina Laboratory Services, Illumina
Classification: Benign for Holt-Oram syndrome. Last evaluated: 2018-01-13. Review status: criteria provided, single submitter. Criteria: ICSL Variant Classification Criteria 13 December 2019. Collection method: clinical testing. Allele origin: germline.
Comment: This variant was observed in the ICSL laboratory as part of a predisposition screen in an ostensibly healthy population. It had not been previously curated by ICSL or reported in the Human Gene Mutation Database (HGMD: prior to June 1st, 2018), and was therefore a candidate for classification through an automated scoring system. Utilizing variant allele frequency, disease prevalence and penetrance estimates, and inheritance mode, an automated score was calculated to assess if this variant is too frequent to cause the disease. Based on the score and internal cut-off values, a variant classified as benign is not then subjected to further curation. The score for this variant resulted in a classification of benign for this disease.

NM_181486.4(TBX5):c.*1188T>C

Gene: TBX5 (T-box transcription factor 5; minus strand). Cytogenetic location: 12q24.21.
Variant type: single nucleotide variant.
Coding change: c.*1188T>C on transcript NM_181486.4 (MANE Select); 1188 bases downstream of the stop codon, T replaced by C.
Molecular consequence: 3 prime UTR variant.
Genome position (GRCh38, 1-based): chr12:114,354,344, A>G on the plus strand (T>C on the coding strand, the complement: TBX5 is on the minus strand). VCF-style: chr12-114354344-A-G. GRCh37 (hg19) VCF-style: chr12-114792149-A-G.
Other names: c.*1188T>C (NM_000192.3, NM_080717.4).
Identifiers: ClinVar variation 307273 (VCV000307273.5), dbSNP rs141223729, ClinGen allele CA10640995.
Genomic context (GRCh38, chr12:114,354,344, plus strand): 5'-TCATTTCATGTTATTACTTAATTAGAATTCCTATTTATAAATAAATAGTACCAGTAAAAT[A>G]TTACATCTGAAGAACCCTACCATAACACTTTACTTACACACTTTTTTTAATACTGTTTTC-3'